The following is an entry in ClinVar:

NM_007294.4(BRCA1):c.3526del (p.Val1176fs)

Genes: BRCA1 (BRCA1 DNA repair associated; minus strand), LOC126862571 (BRD4-independent group 4 enhancer GRCh37_chr17:41243136-41244335; plus strand). Cytogenetic location: 17q21.31.
Variant type: Deletion.
Coding change: c.3526del on transcript NM_007294.4 (MANE Select); coding-DNA position 3526, one base deleted (G; older notation c.3526delG).
Protein change: p.Val1176fs; shifts the reading frame from valine 1176.
Molecular consequence: frameshift variant. On other transcripts: intron variant (135).
Genome position (GRCh38, 1-based): chr17:43,092,005, C deleted on the plus strand (G on the coding strand, the reverse complement: BRCA1 is on the minus strand). VCF-style (leftmost placement, unchanged base first): chr17-43092004-AC-A. GRCh37 (hg19) VCF-style: chr17-41244021-AC-A.
Other names: c.3313del, p.Val1105fs (NM_001407571.1, NM_001407853.1, NM_001407894.1 and 9 more transcripts); c.3526del, p.Val1176fs (NM_001407581.1, NM_001407582.1, NM_001407583.1 and 30 more transcripts); c.3523del, p.Val1175fs (NM_001407610.1, NM_001407611.1, NM_001407612.1 and 22 more transcripts); c.3517del, p.Val1173fs (NM_001407646.1, NM_001407647.1); c.3403del, p.Val1135fs (NM_001407648.1, NM_001407664.1, NM_001407665.1 and 19 more transcripts); c.3400del, p.Val1134fs (NM_001407649.1, NM_001407670.1, NM_001407671.1 and 11 more transcripts); c.3448del, p.Val1150fs (NM_001407653.1, NM_001407654.1, NM_001407655.1 and 4 more transcripts); c.3445del, p.Val1149fs (NM_001407659.1, NM_001407660.1, NM_001407661.1 and 1 more transcripts); and 41 more; short protein forms V1129fs, V1176fs, V1049fs, V1064fs, V1065fs, V1108fs, V1134fs, V1149fs.
Identifiers: ClinVar variation 419648 (VCV000419648.7), dbSNP rs1064794016, ClinGen allele CA10654941.

ClinVar aggregate classification (germline): Pathogenic. Review status: reviewed by expert panel (3 of 4 stars). 3 submissions from 3 submitters: Pathogenic (1). 2 of the submissions do not count toward it. Last evaluated 2017-12-15.

Conditions:
Hereditary breast ovarian cancer syndrome. Also called: Hereditary breast and ovarian cancer syndrome (HBOC); BRCA1- and BRCA2-Associated Hereditary Breast and Ovarian Cancer; Hereditary breast and/or ovarian cancer syndrome; Hereditary breast and ovarian cancer syndrome; Hereditary breast and ovarian cancer; Breast and ovarian cancer. Identifiers: Orphanet 145, MedGen C0677776, MeSH D061325, MONDO:0003582. Disease mechanism: loss of function.
Breast-ovarian cancer, familial, susceptibility to, 1 (BROVCA1). Also called: BRCA1 Hereditary Breast and Ovarian Cancer; OVARIAN CANCER, SUSCEPTIBILITY TO. Identifiers: Orphanet 145, MedGen C2676676, MONDO:0011450, OMIM 604370. Disease mechanism: loss of function.

Submissions (3):

Evidence-based Network for the Interpretation of Germline Mutant Alleles (ENIGMA)
Classification: Pathogenic for Breast-ovarian cancer, familial, susceptibility to, 1. Last evaluated: 2017-12-15. Review status: reviewed by expert panel. Criteria: ENIGMA BRCA1/2 Classification Criteria (2017-06-29). Collection method: curation. Allele origin: germline. Study: ENIGMA.
Comment: Variant allele predicted to encode a truncated non-functional protein.

Labcorp Genetics (formerly Invitae), Labcorp
Classification: Pathogenic for Hereditary breast ovarian cancer syndrome. Last evaluated: 2023-06-20. Review status: criteria provided, single submitter. Criteria: Invitae Variant Classification Sherloc (09022015). Collection method: clinical testing. Allele origin: germline. Not counted in ClinVar's aggregate classification.
Comment: This sequence change creates a premature translational stop signal (p.Val1176Phefs*34) in the BRCA1 gene. It is expected to result in an absent or disrupted protein product. Loss-of-function variants in BRCA1 are known to be pathogenic (PMID: 20104584). This variant is not present in population databases (gnomAD no frequency). This premature translational stop signal has been observed in individual(s) with ovarian tumor (PMID: 30322717). ClinVar contains an entry for this variant (Variation ID: 419648). For these reasons, this variant has been classified as Pathogenic.

GeneDx
Classification: Pathogenic. Last evaluated: 2015-08-06. Review status: criteria provided, single submitter. Criteria: GeneDx Variant Classification (06012015). Collection method: clinical testing. Allele origin: germline. Affected: yes. Not counted in ClinVar's aggregate classification.
Comment: This deletion of one nucleotide in BRCA1 is denoted c.3526delG at the cDNA level and p.Val1176PhefsX34 (V1176FfsX34) at the protein level. Using alternate nomenclature, this deletion would be defined as BRCA1 3645delG. The normal sequence, with the base that is deleted in braces, is TGCT[G]TTTTTA. The deletion causes a frameshift, which changes a Valine to a Phenylalanine at codon 1176, and creates a premature stop codon at position 34 of the new reading frame. Although this variant has not, to our knowledge, been reported in the literature, it is predicted to cause loss of normal protein function through either protein truncation or nonsense-mediated mRNA decay. we consider this variant to be pathogenic.

Literature cited by the submitters: PubMed 20104584 (cited by Labcorp Genetics (formerly Invitae), Labcorp); PubMed 30322717 (cited by Labcorp Genetics (formerly Invitae), Labcorp).